The following is an entry in ClinVar:

ClinVar aggregate classification (germline): Uncertain significance. Review status: criteria provided, multiple submitters, no conflicts (2 of 4 stars). 2 submissions from 2 submitters: Uncertain significance (2). Last evaluated 2024-05-15.

Conditions:
Hereditary nonpolyposis colorectal neoplasms. Identifiers: MedGen C0009405, MeSH D003123.
Hereditary cancer-predisposing syndrome. Also called: Neoplastic Syndromes, Hereditary; Tumor predisposition; Hereditary Cancer Syndrome; Hereditary neoplastic syndrome. Identifiers: Orphanet 140162, MedGen C0027672, MeSH D009386, MONDO:0015356.

Submissions (2):

Ambry Genetics
Classification: Uncertain significance for Hereditary cancer-predisposing syndrome. Last evaluated: 2024-05-15. Review status: criteria provided, single submitter. Criteria: Ambry Variant Classification Scheme 2023. Collection method: clinical testing. Allele origin: germline.
Comment: The p.M875K variant (also known as c.2624T>A), located in coding exon 4 of the MSH6 gene, results from a T to A substitution at nucleotide position 2624. The methionine at codon 875 is replaced by lysine, an amino acid with similar properties. This amino acid position is not well conserved in available vertebrate species. In addition, the in silico prediction for this alteration is inconclusive. Based on the available evidence, the clinical significance of this variant remains unclear.

Labcorp Genetics (formerly Invitae), Labcorp
Classification: Uncertain significance for Hereditary nonpolyposis colorectal neoplasms. Last evaluated: 2023-09-27. Review status: criteria provided, single submitter. Criteria: Invitae Variant Classification Sherloc (09022015). Collection method: clinical testing. Allele origin: germline.
Comment: This sequence change replaces methionine, which is neutral and non-polar, with lysine, which is basic and polar, at codon 875 of the MSH6 protein (p.Met875Lys). This variant is not present in population databases (gnomAD no frequency). This variant has not been reported in the literature in individuals affected with MSH6-related conditions. ClinVar contains an entry for this variant (Variation ID: 1713931). Advanced modeling of protein sequence and biophysical properties (such as structural, functional, and spatial information, amino acid conservation, physicochemical variation, residue mobility, and thermodynamic stability) performed at Invitae indicates that this missense variant is not expected to disrupt MSH6 protein function. In summary, the available evidence is currently insufficient to determine the role of this variant in disease. Therefore, it has been classified as a Variant of Uncertain Significance.

NM_000179.3(MSH6):c.2624T>A (p.Met875Lys)

Gene: MSH6 (mutS homolog 6; plus strand). Cytogenetic location: 2p16.3.
Variant type: single nucleotide variant.
Coding change: c.2624T>A on transcript NM_000179.3 (MANE Select); coding-DNA position 2624, T replaced by A.
Protein change: p.Met875Lys; replaces methionine 875 with lysine.
Molecular consequence: missense variant.
Genome position (GRCh38, 1-based): chr2:47,800,607, T>A. VCF-style: chr2-47800607-T-A. GRCh37 (hg19) VCF-style: chr2-48027746-T-A.
Other names: c.2234T>A, p.Met745Lys (NM_001281492.2); c.1718T>A, p.Met573Lys (NM_001281493.2, NM_001281494.2, NM_001406811.1 and 6 more transcripts); c.2720T>A, p.Met907Lys (NM_001406795.1, NM_001406802.1); c.2624T>A, p.Met875Lys (NM_001406796.1, NM_001406798.1, NM_001406800.1 and 2 more transcripts); c.2327T>A, p.Met776Lys (NM_001406797.1, NM_001406801.1, NM_001406805.1 and 10 more transcripts); c.2099T>A, p.Met700Lys (NM_001406799.1, NM_001406806.1, NM_001406807.1); c.2546T>A, p.Met849Lys (NM_001406804.1); c.2630T>A, p.Met877Lys (NM_001406813.1); and 1 more; short protein forms M573K, M700K, M745K, M776K, M819K, M849K, M875K, M877K.
Identifiers: ClinVar variation 1713931 (VCV001713931.9), dbSNP rs774774596, ClinGen allele CA346755040.